The following is an entry in ClinVar:

ClinVar aggregate classification (germline): Uncertain significance. Review status: criteria provided, multiple submitters, no conflicts (2 of 4 stars). 2 submissions from 2 submitters: Uncertain significance (2). Last evaluated 2023-05-23.

Conditions:
Juvenile polyposis syndrome (JPS). Identifiers: Orphanet 2929, MedGen C0345893, MONDO:0017380, OMIM 174900.
Juvenile polyposis/hereditary hemorrhagic telangiectasia syndrome (JPHT). Also called: Juvenile Polyposis Syndrome / Hereditary Hemorrhagic Telangiectasia (JPS/HHT); JP/HHT SYNDROME; JUVENILE POLYPOSIS WITH HEREDITARY HEMORRHAGIC TELANGIECTASIA; POLYPOSIS, GENERALIZED JUVENILE, WITH PULMONARY ARTERIOVENOUS MALFORMATION; TELANGIECTASIA, HEREDITARY HEMORRHAGIC, WITH JUVENILE POLYPOSIS COLI. Identifiers: Orphanet 2929, MedGen C1832942, MONDO:0008278, OMIM 175050.

Submissions (2):

Baylor Genetics
Classification: Uncertain significance for Juvenile polyposis/hereditary hemorrhagic telangiectasia syndrome. Last evaluated: 2023-05-23. Review status: criteria provided, single submitter. Criteria: ACMG Guidelines, 2015. Collection method: clinical testing. Allele origin: unknown.

Labcorp Genetics (formerly Invitae), Labcorp
Classification: Uncertain significance for Juvenile polyposis syndrome. Last evaluated: 2021-04-18. Review status: criteria provided, single submitter. Criteria: Invitae Variant Classification Sherloc (09022015). Collection method: clinical testing. Allele origin: germline.
Comment: In summary, the available evidence is currently insufficient to determine the role of this variant in disease. Therefore, it has been classified as a Variant of Uncertain Significance. Advanced modeling of protein sequence and biophysical properties (such as structural, functional, and spatial information, amino acid conservation, physicochemical variation, residue mobility, and thermodynamic stability) performed at Invitae indicates that this missense variant is not expected to disrupt SMAD4 protein function. This variant has not been reported in the literature in individuals with SMAD4-related conditions. This variant is not present in population databases (ExAC no frequency). This sequence change replaces histidine with arginine at codon 177 of the SMAD4 protein (p.His177Arg). The histidine residue is moderately conserved and there is a small physicochemical difference between histidine and arginine.

NM_005359.6(SMAD4):c.530A>G (p.His177Arg)

Gene: SMAD4 (SMAD family member 4; plus strand). Cytogenetic location: 18q21.2.
Variant type: single nucleotide variant.
Coding change: c.530A>G on transcript NM_005359.6 (MANE Select); coding-DNA position 530, A replaced by G.
Protein change: p.His177Arg; replaces histidine 177 with arginine.
Molecular consequence: missense variant.
Genome position (GRCh38, 1-based): chr18:51,054,856, A>G. VCF-style: chr18-51054856-A-G. GRCh37 (hg19) VCF-style: chr18-48581226-A-G.
Other names: short protein forms H177R.
Identifiers: ClinVar variation 1388856 (VCV001388856.9), dbSNP rs1568205026, ClinGen allele CA402460843.